The following is an entry in ClinVar:

ClinVar aggregate classification (germline): Uncertain significance (1 of 4 stars; one submission).

Submission:

Labcorp Genetics (formerly Invitae), Labcorp
Classification: Uncertain significance. Last evaluated: 2022-03-20. Review status: criteria provided, single submitter. Criteria: Invitae Variant Classification Sherloc (09022015). Collection method: clinical testing. Allele origin: germline.
Comment: This sequence change affects codon 272 of the MSTO1 mRNA. It is a 'silent' change, meaning that it does not change the encoded amino acid sequence of the MSTO1 protein. This variant is not present in population databases (gnomAD no frequency). This variant has not been reported in the literature in individuals affected with MSTO1-related conditions. Algorithms developed to predict the effect of sequence changes on RNA splicing suggest that this variant may create or strengthen a splice site. In summary, the available evidence is currently insufficient to determine the role of this variant in disease. Therefore, it has been classified as a Variant of Uncertain Significance.

NM_018116.4(MSTO1):c.816G>A (p.Glu272=)

Gene: MSTO1 (misato mitochondrial distribution and morphology regulator 1; plus strand). Cytogenetic location: 1q22.
Variant type: single nucleotide variant.
Coding change: c.816G>A on transcript NM_018116.4 (MANE Select); coding-DNA position 816, G replaced by A.
Protein change: p.Glu272=; no amino-acid change (glutamic acid 272 retained).
Molecular consequence: synonymous variant. On other transcripts: non-coding transcript variant (6).
Genome position (GRCh38, 1-based): chr1:155,612,420, G>A. VCF-style: chr1-155612420-G-A. GRCh37 (hg19) VCF-style: chr1-155582211-G-A.
Other names: c.816G>A, p.Glu272= (NM_001256532.1, NM_001256533.1, NM_001350772.1 and 3 more transcripts); c.651G>A, p.Glu217= (NM_001350776.1); c.285G>A, p.Glu95= (NM_001350777.1, NM_001350778.1, NM_001350779.1); c.282G>A, p.Glu94= (NM_001350780.1, NM_001350781.1, NM_001350782.1 and 3 more transcripts); c.273G>A, p.Glu91= (NM_001350784.1, NM_001350785.1, NM_001350787.1 and 1 more transcripts).
Identifiers: ClinVar variation 2115269 (VCV002115269.4), dbSNP rs2525436702, ClinGen allele CA421251160.